The following is an entry in ClinVar:

NM_001378454.1(ALMS1):c.9934T>G (p.Phe3312Val)

Gene: ALMS1 (ALMS1 centrosome and basal body associated protein; plus strand). Cytogenetic location: 2p13.1.
Variant type: single nucleotide variant.
Coding change: c.9934T>G on transcript NM_001378454.1 (MANE Select); coding-DNA position 9934, T replaced by G.
Protein change: p.Phe3312Val; replaces phenylalanine 3312 with valine.
Molecular consequence: missense variant.
Genome position (GRCh38, 1-based): chr2:73,550,293, T>G. VCF-style: chr2-73550293-T-G. GRCh37 (hg19) VCF-style: chr2-73777420-T-G.
Other names: c.9937T>G, p.Phe3313Val (NM_015120.4); short protein forms F3312V, F3313V.
Identifiers: ClinVar variation 4275230 (VCV004275230.1).

ClinVar aggregate classification (germline): Uncertain significance (1 of 4 stars; one submission).

Conditions:
Cardiovascular phenotype. Identifiers: MedGen CN230736.

Submission:

Ambry Genetics
Classification: Uncertain significance for Cardiovascular phenotype. Last evaluated: 2025-09-02. Review status: criteria provided, single submitter. Criteria: Ambry Variant Classification Scheme 2023. Collection method: clinical testing. Allele origin: germline.
Comment: The p.F3313V variant (also known as c.9937T>G), located in coding exon 13 of the ALMS1 gene, results from a T to G substitution at nucleotide position 9937. The phenylalanine at codon 3313 is replaced by valine, an amino acid with highly similar properties. This amino acid position is highly conserved in available vertebrate species. In addition, this alteration is predicted to be deleterious by in silico analysis. Based on the available evidence, the clinical significance of this variant remains unclear.